The following is an entry in ClinVar:

ClinVar aggregate classification (germline): Likely benign (1 of 4 stars; one submission).

Conditions:
Leigh syndrome (NULS). Also called: Leigh's necrotizing encephalopathy; Leigh's disease; Leigh Syndrome (mtDNA deletion); Leigh Disease; Subacute necrotizing encephalopathy; Necrotizing encephalopathy infantile subacute of Leigh. Identifiers: Orphanet 506, MedGen C2931891, MONDO:0009723, OMIM 256000.

Submission:

Wong Mito Lab, Molecular and Human Genetics, Baylor College of Medicine
Classification: Likely benign for Leigh syndrome. Last evaluated: 2019-10-17. Review status: criteria provided, single submitter. Criteria: Modified ACMG Guidelines (Unpublished). Collection method: clinical testing. Allele origin: germline.
Comment: The NC_012920.1:m.5319A>T (YP_003024027.1:p.Thr284Ser) variant in MTND2 gene is interpretated to be a Likely Benign variant based on the modified ACMG guidelines (unpublished). This variant meets the following evidence codes: BP4, BP6

NC_012920.1(MT-ND2):m.5319A>T

Gene: MT-ND2 (mitochondrially encoded NADH dehydrogenase 2; plus strand).
Variant type: single nucleotide variant.
Genome position: chrM-5319-A-T.
Identifiers: ClinVar variation 692578 (VCV000692578.1), dbSNP rs28456039, ClinGen allele CA414779814.